The following is an entry in ClinVar:

ClinVar aggregate classification (germline): Uncertain significance. Review status: criteria provided, multiple submitters, no conflicts (2 of 4 stars). 2 submissions from 2 submitters: Uncertain significance (2). Last evaluated 2024-10-04.

Conditions:
Inborn genetic diseases. Identifiers: MedGen C0950123, MeSH D030342.

Allele frequency attached by ClinVar (database versions not stated): gnomAD 0.00001; TOPMed 0.00001; ESP Exome Variant Server 0.00008.
gnomAD v4.1: 14 of 1,613,798 alleles (0.00087%); highest among the groups gnomAD compares: Middle Eastern, 0.017%; no homozygotes.

Submissions (2):

Ambry Genetics
Classification: Uncertain significance for Inborn genetic diseases. Last evaluated: 2024-10-04. Review status: criteria provided, single submitter. Criteria: Ambry Variant Classification Scheme 2023. Collection method: clinical testing. Allele origin: germline.

Labcorp Genetics (formerly Invitae), Labcorp
Classification: Uncertain significance. Last evaluated: 2022-05-20. Review status: criteria provided, single submitter. Criteria: Invitae Variant Classification Sherloc (09022015). Collection method: clinical testing. Allele origin: germline.
Comment: This sequence change replaces arginine, which is basic and polar, with histidine, which is basic and polar, at codon 658 of the LTBP4 protein (p.Arg658His). This variant is present in population databases (rs368643029, gnomAD 0.006%). This variant has not been reported in the literature in individuals affected with LTBP4-related conditions. Experimental studies and prediction algorithms are not available or were not evaluated, and the functional significance of this variant is currently unknown. In summary, the available evidence is currently insufficient to determine the role of this variant in disease. Therefore, it has been classified as a Variant of Uncertain Significance.

NM_001042545.2(LTBP4):c.1883G>A (p.Arg628His)

Gene: LTBP4 (latent transforming growth factor beta binding protein 4; plus strand). Cytogenetic location: 19q13.2.
Variant type: single nucleotide variant.
Coding change: c.1883G>A on transcript NM_001042545.2 (MANE Select); coding-DNA position 1883, G replaced by A.
Protein change: p.Arg628His; replaces arginine 628 with histidine.
Molecular consequence: missense variant.
Genome position (GRCh38, 1-based): chr19:40,611,224, G>A. VCF-style: chr19-40611224-G-A. GRCh37 (hg19) VCF-style: chr19-41117130-G-A.
Other names: c.2084G>A, p.Arg695His (NM_001042544.1); c.1973G>A, p.Arg658His (NM_003573.2); short protein forms R628H, R658H, R695H.
Identifiers: ClinVar variation 2093352 (VCV002093352.3), dbSNP rs368643029, ClinGen allele CA9448464.